The following is an entry in ClinVar:

NM_000127.3(EXT1):c.1882A>T (p.Lys628Ter)

Gene: EXT1 (exostosin glycosyltransferase 1; minus strand). Cytogenetic location: 8q24.11.
Variant type: single nucleotide variant.
Coding change: c.1882A>T on transcript NM_000127.3 (MANE Select); coding-DNA position 1882, A replaced by T.
Protein change: p.Lys628Ter; replaces lysine 628 with a stop codon.
Molecular consequence: nonsense.
Genome position (GRCh38, 1-based): chr8:117,807,218, T>A on the plus strand (A>T on the coding strand, the complement: EXT1 is on the minus strand). VCF-style: chr8-117807218-T-A. GRCh37 (hg19) VCF-style: chr8-118819457-T-A.
Other names: short protein forms K628*.
Identifiers: ClinVar variation 1069234 (VCV001069234.9), dbSNP rs2129700894, ClinGen allele CA371877865.
Genomic context (GRCh38, chr8:117,807,218, plus strand): 5'-GCAGCAGCCAATATAAAAAGCTATGTAAAGTCTGTAAGAGACATGTCCAGATTCCTCACT[T>A]GTGGTAAATAGCAGCTCCTGTCAACACCATGGAGTAGTCGTTCGTCCACTTTGATGTGTA-3'

ClinVar aggregate classification (germline): Pathogenic (1 of 4 stars; one submission).

Conditions:
Multiple congenital exostosis (EXT). Also called: Hereditary multiple exostoses; Hereditary multiple exostosis; MULTIPLE CARTILAGINOUS EXOSTOSES; Multiple exostoses; Hereditary multiple osteochondromas; Multiple osteochondromas. Identifiers: Orphanet 321, MedGen C0015306, MONDO:0005508, HP:0002762.

Submission:

Labcorp Genetics (formerly Invitae), Labcorp
Classification: Pathogenic for Multiple congenital exostosis. Last evaluated: 2020-02-17. Review status: criteria provided, single submitter. Criteria: Invitae Variant Classification Sherloc (09022015). Collection method: clinical testing. Allele origin: germline.
Comment: This sequence change creates a premature translational stop signal (p.Lys628*) in the EXT1 gene. It is expected to result in an absent or disrupted protein product. This variant is not present in population databases (ExAC no frequency). This variant has been observed in individual(s) affected with clinical features of multiple osteochondromatosis (Invitae). Algorithms developed to predict the effect of sequence changes on RNA splicing suggest that this variant may disrupt the consensus splice site, but this prediction has not been confirmed by published transcriptional studies. Loss-of-function variants in EXT1 are known to be pathogenic (PMID: 10679937, 11391482, 19810120). For these reasons, this variant has been classified as Pathogenic.

Literature cited by the submitters: PubMed 10679937; PubMed 11391482; PubMed 19810120.